The following is an entry in ClinVar:

NM_153676.4(USH1C):c.2380+4A>G

Gene: USH1C (USH1 protein network component harmonin; minus strand). Cytogenetic location: 11p15.1.
Variant type: single nucleotide variant.
Coding change: c.2380+4A>G on transcript NM_153676.4 (MANE Select); 4 bases into the intron after coding-DNA position 2380, A replaced by G.
Molecular consequence: intron variant.
Genome position (GRCh38, 1-based): chr11:17,501,047, T>C on the plus strand (A>G on the coding strand, the complement: USH1C is on the minus strand). VCF-style: chr11-17501047-T-C. GRCh37 (hg19) VCF-style: chr11-17522594-T-C.
Other names: c.1423+4A>G (NM_001297764.2); c.1480+4A>G (NM_005709.4).
Identifiers: ClinVar variation 2106954 (VCV002106954.1), dbSNP rs2496998923, ClinGen allele CA2580082888.

ClinVar aggregate classification (germline): Uncertain significance (1 of 4 stars; one submission).

Submission:

Labcorp Genetics (formerly Invitae), Labcorp
Classification: Uncertain significance. Last evaluated: 2022-03-04. Review status: criteria provided, single submitter. Criteria: Invitae Variant Classification Sherloc (09022015). Collection method: clinical testing. Allele origin: germline.
Comment: This sequence change falls in intron 18 of the USH1C gene. It does not directly change the encoded amino acid sequence of the USH1C protein. It affects a nucleotide within the consensus splice site. This variant is not present in population databases (gnomAD no frequency). This variant has not been reported in the literature in individuals affected with USH1C-related conditions. Variants that disrupt the consensus splice site are a relatively common cause of aberrant splicing (PMID: 17576681, 9536098). Algorithms developed to predict the effect of sequence changes on RNA splicing suggest that this variant may disrupt the consensus splice site. In summary, the available evidence is currently insufficient to determine the role of this variant in disease. Therefore, it has been classified as a Variant of Uncertain Significance.

Literature cited by the submitters: PubMed 17576681; PubMed 9536098.